The following is an entry in ClinVar:

ClinVar aggregate classification (germline): Uncertain significance (1 of 4 stars; one submission).

Conditions:
Charcot-Marie-Tooth disease type 4. Also called: Charcot-Marie-Tooth, Type 4; Charcot-Marie-Tooth disease, type IV. Identifiers: Orphanet 64749, MedGen C4082197, MONDO:0018995.

Allele frequency attached by ClinVar (database versions not stated): gnomAD exomes below 0.00001; gnomAD 0.00001; ESP Exome Variant Server 0.00008.
gnomAD v4.1: 6 of 1,613,488 alleles (0.00037%); highest among the groups gnomAD compares: Non-Finnish European, 0.00051%; no homozygotes.

Submission:

Labcorp Genetics (formerly Invitae), Labcorp
Classification: Uncertain significance for Charcot-Marie-Tooth disease type 4. Last evaluated: 2020-07-30. Review status: criteria provided, single submitter. Criteria: Invitae Variant Classification Sherloc (09022015). Collection method: clinical testing. Allele origin: germline.
Comment: In summary, the available evidence is currently insufficient to determine the role of this variant in disease. Therefore, it has been classified as a Variant of Uncertain Significance. Nucleotide substitutions within the consensus splice site are a relatively common cause of aberrant splicing (PMID: 17576681, 9536098). Algorithms developed to predict the effect of sequence changes on RNA splicing suggest that this variant may disrupt the consensus splice site, but this prediction has not been confirmed by published transcriptional studies. This variant has not been reported in the literature in individuals with PRX-related conditions. This variant is not present in population databases (ExAC no frequency). This sequence change falls in intron 4 of the PRX gene. It does not directly change the encoded amino acid sequence of the PRX protein, but it affects a nucleotide within the consensus splice site of the intron.

Literature cited by the submitters: PubMed 17576681; PubMed 9536098.

NM_181882.3(PRX):c.27+5G>C

Gene: PRX (periaxin; minus strand). Cytogenetic location: 19q13.2.
Variant type: single nucleotide variant.
Coding change: c.27+5G>C on transcript NM_181882.3 (MANE Select); 5 bases into the intron after coding-DNA position 27, G replaced by C.
Molecular consequence: intron variant.
Genome position (GRCh38, 1-based): chr19:40,407,901, C>G on the plus strand (G>C on the coding strand, the complement: PRX is on the minus strand). VCF-style: chr19-40407901-C-G. GRCh37 (hg19) VCF-style: chr19-40913808-C-G.
Other names: c.27+5G>C (NM_020956.2).
Identifiers: ClinVar variation 1044721 (VCV001044721.5), dbSNP rs371520525, ClinGen allele CA308427543.